The following is an entry in ClinVar:

ClinVar aggregate classification (germline): Likely benign. Review status: criteria provided, single submitter (1 of 4 stars). 2 submissions from 2 submitters: Likely benign (1). 1 of the submissions does not count toward it. Last evaluated 2025-09-27.

Conditions:
MATR3-related disorder. Also called: MATR3-related condition.
Amyotrophic lateral sclerosis type 21. Also called: MYOPATHY, DISTAL, 2; VOCAL CORD AND PHARYNGEAL DYSFUNCTION WITH DISTAL MYOPATHY. Identifiers: Orphanet 600, Orphanet 803, MedGen C3807521, MONDO:0011632, OMIM 606070.

Allele frequency attached by ClinVar (database versions not stated): ExAC 0.00005; gnomAD 0.00006; gnomAD exomes 0.00007 and 0.00018; TOPMed 0.00014; ESP Exome Variant Server 0.00015.
gnomAD v4.1: 278 of 1,586,564 alleles (0.018%); highest among the groups gnomAD compares: Non-Finnish European, 0.023%; no homozygotes.

Submissions (2):

Labcorp Genetics (formerly Invitae), Labcorp
Classification: Likely benign for Amyotrophic lateral sclerosis type 21. Last evaluated: 2025-09-27. Review status: criteria provided, single submitter. Criteria: Invitae Variant Classification Sherloc (09022015). Collection method: clinical testing. Allele origin: germline.

PreventionGenetics, part of Exact Sciences
Classification: Likely benign for MATR3-related condition. Last evaluated: 2022-12-16. Review status: no assertion criteria provided. Collection method: clinical testing. Allele origin: germline. Not counted in ClinVar's aggregate classification.
Comment: This variant is classified as likely benign based on ACMG/AMP sequence variant interpretation guidelines (Richards et al. 2015 PMID: 25741868, with internal and published modifications).

NM_018834.6(MATR3):c.1129+9A>G

Gene: MATR3 (matrin 3; plus strand). Cytogenetic location: 5q31.2.
Variant type: single nucleotide variant.
Coding change: c.1129+9A>G on transcript NM_018834.6 (MANE Select); 9 bases into the intron after coding-DNA position 1129, A replaced by G.
Molecular consequence: intron variant.
Genome position (GRCh38, 1-based): chr5:139,316,197, A>G. VCF-style: chr5-139316197-A-G. GRCh37 (hg19) VCF-style: chr5-138651886-A-G.
Other names: c.1129+9A>G (NM_199189.3, NM_001194954.2, NM_001194955.2); c.115+9A>G (NM_001282278.2); c.265+9A>G (NM_001194956.2).
Identifiers: ClinVar variation 706238 (VCV000706238.13), dbSNP rs372039740, ClinGen allele CA3433032.